The following is an entry in ClinVar:

ClinVar aggregate classification (germline): Benign/Likely benign. Review status: criteria provided, multiple submitters, no conflicts (2 of 4 stars). 6 submissions from 6 submitters: Benign (2); Likely benign (4). Last evaluated 2026-05-01.

Conditions:
Epidermolysis bullosa simplex, Ogna type (EBS5A). Also called: Pidermolysis bullosa simplex 5A, Ogna type; EPIDERMOLYSIS BULLOSA SIMPLEX 5A, OGNA TYPE. Identifiers: Orphanet 79401, MedGen C0432317, MONDO:0007555, OMIM 131950.
Epidermolysis bullosa simplex 5C, with pyloric atresia (EBS5C). Also called: PLEC-Related Epidermolysis Bullosa with Pyloric Atresia; Epidermolysis bullosa simplex with pyloric atresia; PLEC1-Related Epidermolysis Bullosa with Pyloric Atresia. Identifiers: Orphanet 158684, MedGen C2677349, MONDO:0012807, OMIM 612138.
Autosomal recessive limb-girdle muscular dystrophy type 2Q (LGMDR17). Also called: MUSCULAR DYSTROPHY, LIMB-GIRDLE, AUTOSOMAL RECESSIVE 17. Identifiers: Orphanet 254361, MedGen C3150989, MONDO:0013390, OMIM 613723.
Epidermolysis bullosa simplex with nail dystrophy (EBS5D). Identifiers: MedGen C4225309, MONDO:0014661, OMIM 616487.
Epidermolysis bullosa simplex 5B, with muscular dystrophy (EBS5B). Also called: EPIDERMOLYSIS BULLOSA SIMPLEX AND LIMB-GIRDLE MUSCULAR DYSTROPHY; Epidermolysis bullosa simplex with muscular dystrophy. Identifiers: Orphanet 257, MedGen C2931072, MONDO:0009181, OMIM 226670.

Allele frequency attached by ClinVar (database versions not stated): 1000 Genomes Project 30x 0.00016; TOPMed 0.00133; gnomAD exomes 0.00152; ESP Exome Variant Server 0.00162; gnomAD 0.00166 and 0.00174; ExAC 0.00297.
gnomAD v4.1: 2,985 of 1,600,970 alleles (0.19%); highest among the groups gnomAD compares: Non-Finnish European, 0.22%; 3 homozygotes.

Submissions (6):

CeGaT Center for Human Genetics Tuebingen
Classification: Likely benign. Last evaluated: 2026-05-01. Review status: criteria provided, single submitter. Criteria: CeGaT Center For Human Genetics Tuebingen Variant Classification Criteria Version 2. Collection method: clinical testing. Allele origin: germline. Affected: yes. Observed: 8 variant alleles.
Comment: PLEC: BP4, BP7

Labcorp Genetics (formerly Invitae), Labcorp
Classification: Benign for Autosomal recessive limb-girdle muscular dystrophy type 2Q; Epidermolysis bullosa simplex, Ogna type; Epidermolysis bullosa simplex with nail dystrophy; Epidermolysis bullosa simplex 5C, with pyloric atresia; Epidermolysis bullosa simplex 5B, with muscular dystrophy. Last evaluated: 2026-01-28. Review status: criteria provided, single submitter. Criteria: Invitae Variant Classification Sherloc (09022015). Collection method: clinical testing. Allele origin: germline.

Blueprint Genetics
Classification: Likely benign. Last evaluated: 2024-11-27. Review status: criteria provided, single submitter. Criteria: ACMG Guidelines, 2015. Collection method: clinical testing. Allele origin: germline.

GeneDx
Classification: Likely benign. Last evaluated: 2018-04-12. Review status: criteria provided, single submitter. Criteria: GeneDx Variant Classification Process June 2021. Collection method: clinical testing. Allele origin: germline. Affected: yes.

Athena Diagnostics
Classification: Benign. Last evaluated: 2016-09-08. Review status: criteria provided, single submitter. Criteria: Athena Diagnostics Criteria. Collection method: clinical testing. Allele origin: germline.

Eurofins Ntd Llc (ga)
Classification: Likely benign. Last evaluated: 2015-09-08. Review status: criteria provided, single submitter. Criteria: EGL Classification Definitions 2015. Collection method: clinical testing. Allele origin: germline. Observed: 2 variant alleles, 2 heterozygotes.

NM_201384.3(PLEC):c.3171G>A (p.Ser1057=)

Gene: PLEC (plectin; minus strand). Cytogenetic location: 8q24.3.
Variant type: single nucleotide variant.
Coding change: c.3171G>A on transcript NM_201384.3 (MANE Select); coding-DNA position 3171, G replaced by A.
Protein change: p.Ser1057=; no amino-acid change (serine 1057 retained).
Molecular consequence: synonymous variant.
Genome position (GRCh38, 1-based): chr8:143,929,192, C>T on the plus strand (G>A on the coding strand, the complement: PLEC is on the minus strand). VCF-style: chr8-143929192-C-T. GRCh37 (hg19) VCF-style: chr8-145003360-C-T.
Other names: c.3252G>A, p.Ser1084= (NM_000445.5); c.3129G>A, p.Ser1043= (NM_201378.4); c.3105G>A, p.Ser1035= (NM_201379.3); c.3582G>A, p.Ser1194= (NM_201380.4); c.3075G>A, p.Ser1025= (NM_201381.3); c.3171G>A, p.Ser1057= (NM_201382.4); c.3183G>A, p.Ser1061= (NM_201383.3).
Identifiers: ClinVar variation 195915 (VCV000195915.59), dbSNP rs371271326, ClinGen allele CA242590.
Genomic context (GRCh38, chr8:143,929,192, plus strand): 5'-GACCTGCTCCAGCTTGCCCAGCGTCAGCTCCAGCTCCGAGCGCAGCGTGGGGGCCGCAGG[C>T]GATGGCTCTGGTAGGGCCAAGACCTTCTCGGCCTCGGCAGAGAGCCGGGCGACCCCCTTG-3'
Protein context (NP_958786.1, residues 1047-1067): AEKVLALPEP[Ser1057=]PAAPTLRSEL